The following is an entry in ClinVar:

ClinVar aggregate classification (germline): Uncertain significance (1 of 4 stars; one submission).

Conditions:
Immunodeficiency 14 (IMD14A). Also called: p110-DELTA-ACTIVATING MUTATION CAUSING SENESCENT T CELLS, LYMPHADENOPATHY, AND IMMUNODEFICIENCY; IMMUNODEFICIENCY 14A WITH LYMPHOPROLIFERATION, AUTOSOMAL DOMINANT; ACTIVATED PI3K-DELTA SYNDROME 1; Activated PI3K Delta Syndrome Type 1 (APDS1). Identifiers: Orphanet 397596, Orphanet 693661, MedGen C5907821, MONDO:0014222, OMIM 615513.

Allele frequency attached by ClinVar (database versions not stated): gnomAD exomes 0.00001; TOPMed 0.00002; gnomAD 0.00003; ESP Exome Variant Server 0.00008; ExAC 0.00001.
gnomAD v4.1: 25 of 1,612,476 alleles (0.0016%); highest among the groups gnomAD compares: African/African-American, 0.0027%; no homozygotes.

Submission:

Labcorp Genetics (formerly Invitae), Labcorp
Classification: Uncertain significance for Activated PI3K-delta syndrome. Last evaluated: 2025-01-28. Review status: criteria provided, single submitter. Criteria: Invitae Variant Classification Sherloc (09022015). Collection method: clinical testing. Allele origin: germline.
Comment: This sequence change replaces serine, which is neutral and polar, with leucine, which is neutral and non-polar, at codon 174 of the PIK3CD protein (p.Ser174Leu). This variant is present in population databases (rs148638384, gnomAD 0.005%). This variant has not been reported in the literature in individuals affected with PIK3CD-related conditions. ClinVar contains an entry for this variant (Variation ID: 648948). Invitae Evidence Modeling of protein sequence and biophysical properties (such as structural, functional, and spatial information, amino acid conservation, physicochemical variation, residue mobility, and thermodynamic stability) indicates that this missense variant is not expected to disrupt PIK3CD protein function with a negative predictive value of 80%. In summary, the available evidence is currently insufficient to determine the role of this variant in disease. Therefore, it has been classified as a Variant of Uncertain Significance.

NM_005026.5(PIK3CD):c.521C>T (p.Ser174Leu)

Gene: PIK3CD (phosphatidylinositol-4,5-bisphosphate 3-kinase catalytic subunit delta; plus strand). Cytogenetic location: 1p36.22.
Variant type: single nucleotide variant.
Coding change: c.521C>T on transcript NM_005026.5 (MANE Select); coding-DNA position 521, C replaced by T.
Protein change: p.Ser174Leu; replaces serine 174 with leucine.
Molecular consequence: missense variant.
Genome position (GRCh38, 1-based): chr1:9,715,999, C>T. VCF-style: chr1-9715999-C-T. GRCh37 (hg19) VCF-style: chr1-9776057-C-T.
Other names: c.521C>T (LRG_191t1); c.521C>T, p.Ser174Leu (NM_001350234.2, NM_001350235.1); short protein forms S174L.
Identifiers: ClinVar variation 648948 (VCV000648948.9), dbSNP rs148638384, ClinGen allele CA576891.